The following is an entry in ClinVar:

ClinVar aggregate classification (germline): Uncertain significance. Review status: criteria provided, multiple submitters, no conflicts (2 of 4 stars). 2 submissions from 2 submitters: Uncertain significance (2). Last evaluated 2024-09-27.

Conditions:
Inborn genetic diseases. Identifiers: MedGen C0950123, MeSH D030342.
Methylcobalamin deficiency type cblG (HMAG). Also called: HOMOCYSTINURIA-MEGALOBLASTIC ANEMIA DUE TO DEFECT IN COBALAMIN METABOLISM, cblG COMPLEMENTATION TYPE; Functional methionine synthase deficiency type cblG; HOMOCYSTINURIA-MEGALOBLASTIC ANEMIA, cblG COMPLEMENTATION TYPE; HOMOCYSTINURIA-MEGALOBLASTIC ANEMIA, cblG TYPE. Identifiers: Orphanet 2170, Orphanet 622, MedGen C1855128, MONDO:0009609, OMIM 250940.

Allele frequency attached by ClinVar (database versions not stated): TOPMed 0.00002.

Submissions (2):

Ambry Genetics
Classification: Uncertain significance for Inborn genetic diseases. Last evaluated: 2024-09-27. Review status: criteria provided, single submitter. Criteria: Ambry Variant Classification Scheme 2023. Collection method: clinical testing. Allele origin: germline.

Labcorp Genetics (formerly Invitae), Labcorp
Classification: Uncertain significance for Methylcobalamin deficiency type cblG. Last evaluated: 2021-08-26. Review status: criteria provided, single submitter. Criteria: Invitae Variant Classification Sherloc (09022015). Collection method: clinical testing. Allele origin: germline.
Comment: This sequence change replaces arginine with glutamine at codon 43 of the MTR protein (p.Arg43Gln). The arginine residue is weakly conserved and there is a small physicochemical difference between arginine and glutamine. This variant is present in population databases (rs143088011, ExAC 0.03%). This variant has not been reported in the literature in individuals affected with MTR-related conditions. Algorithms developed to predict the effect of missense changes on protein structure and function output the following: SIFT: "Tolerated"; PolyPhen-2: "Benign"; Align-GVGD: "Class C0". The glutamine amino acid residue is found in multiple mammalian species, which suggests that this missense change does not adversely affect protein function. Algorithms developed to predict the effect of sequence changes on RNA splicing suggest that this variant may create or strengthen a splice site. In summary, the available evidence is currently insufficient to determine the role of this variant in disease. Therefore, it has been classified as a Variant of Uncertain Significance.

NM_000254.3(MTR):c.128G>A (p.Arg43Gln)

Gene: MTR (5-methyltetrahydrofolate-homocysteine methyltransferase; plus strand). Cytogenetic location: 1q43.
Variant type: single nucleotide variant.
Coding change: c.128G>A on transcript NM_000254.3 (MANE Select); coding-DNA position 128, G replaced by A.
Protein change: p.Arg43Gln; replaces arginine 43 with glutamine.
Molecular consequence: missense variant. On other transcripts: 5 prime UTR variant (1).
Genome position (GRCh38, 1-based): chr1:236,803,521, G>A. VCF-style: chr1-236803521-G-A. GRCh37 (hg19) VCF-style: chr1-236966821-G-A.
Other names: c.128G>A (NM_000254.2); c.128G>A, p.Arg43Gln (NM_001291939.1); c.-981G>A (NM_001291940.2); short protein forms R43Q.
Identifiers: ClinVar variation 1018994 (VCV001018994.7), dbSNP rs143088011, ClinGen allele CA1473634.